The following is an entry in ClinVar:

ClinVar aggregate classification (germline): Uncertain significance (1 of 4 stars; one submission).

Conditions:
Inborn genetic diseases. Identifiers: MedGen C0950123, MeSH D030342.

gnomAD v4.1: 1 of 1,614,090 alleles (0.000062%); highest among the groups gnomAD compares: Non-Finnish European, 0.000085%; no homozygotes.

Submission:

Ambry Genetics
Classification: Uncertain significance for Inborn genetic diseases. Last evaluated: 2023-10-05. Review status: criteria provided, single submitter. Criteria: Ambry Variant Classification Scheme 2023. Collection method: clinical testing. Allele origin: germline.
Comment: The p.R819S variant (also known as c.2457G>C), located in coding exon 17 of the LTBP3 gene, results from a G to C substitution at nucleotide position 2457. The arginine at codon 819 is replaced by serine, an amino acid with dissimilar properties. This amino acid position is conserved. In addition, the in silico prediction for this alteration is inconclusive. Since supporting evidence is limited at this time, the clinical significance of this alteration remains unclear.

NM_001130144.3(LTBP3):c.2457G>C (p.Arg819Ser)

Gene: LTBP3 (latent transforming growth factor beta binding protein 3; minus strand). Cytogenetic location: 11q13.1.
Variant type: single nucleotide variant.
Coding change: c.2457G>C on transcript NM_001130144.3 (MANE Select); coding-DNA position 2457, G replaced by C.
Protein change: p.Arg819Ser; replaces arginine 819 with serine.
Molecular consequence: missense variant.
Genome position (GRCh38, 1-based): chr11:65,543,446, C>G on the plus strand (G>C on the coding strand, the complement: LTBP3 is on the minus strand). VCF-style: chr11-65543446-C-G. GRCh37 (hg19) VCF-style: chr11-65310917-C-G.
Other names: c.2106G>C, p.Arg702Ser (NM_001164266.1); c.2457G>C, p.Arg819Ser (NM_021070.4); short protein forms R702S, R819S.
Identifiers: ClinVar variation 3233157 (VCV003233157.1), dbSNP rs747527734, ClinGen allele CA381269234.